The following is an entry in ClinVar:

NM_024675.4(PALB2):c.322A>T (p.Asn108Tyr)

Gene: PALB2 (partner and localizer of BRCA2; minus strand). Cytogenetic location: 16p12.2.
Variant type: single nucleotide variant.
Coding change: c.322A>T on transcript NM_024675.4 (MANE Select); coding-DNA position 322, A replaced by T.
Protein change: p.Asn108Tyr; replaces asparagine 108 with tyrosine.
Molecular consequence: missense variant.
Genome position (GRCh38, 1-based): chr16:23,636,224, T>A on the plus strand (A>T on the coding strand, the complement: PALB2 is on the minus strand). VCF-style: chr16-23636224-T-A. GRCh37 (hg19) VCF-style: chr16-23647545-T-A.
Other names: short protein forms N108Y.
Identifiers: ClinVar variation 952331 (VCV000952331.16), dbSNP rs1240552147, ClinGen allele CA395138759.

ClinVar aggregate classification (germline): Uncertain significance. Review status: criteria provided, multiple submitters, no conflicts (2 of 4 stars). 3 submissions from 3 submitters: Uncertain significance (3). Last evaluated 2025-06-10.

Conditions:
Familial cancer of breast. Also called: BREAST CANCER, FAMILIAL; Hereditary breast cancer; hereditary breast carcinoma. Identifiers: Orphanet 227535, MedGen C0346153, MONDO:0016419, OMIM 114480. Disease mechanism: loss of function.
Hereditary cancer-predisposing syndrome. Also called: Tumor predisposition; Hereditary neoplastic syndrome; Neoplastic Syndromes, Hereditary; Hereditary Cancer Syndrome. Identifiers: Orphanet 140162, MedGen C0027672, MeSH D009386, MONDO:0015356.

Submissions (3):

Ambry Genetics
Classification: Uncertain significance for Hereditary cancer-predisposing syndrome. Last evaluated: 2025-06-10. Review status: criteria provided, single submitter. Criteria: Ambry Variant Classification Scheme 2023. Collection method: clinical testing. Allele origin: germline.
Comment: The p.N108Y variant (also known as c.322A>T), located in coding exon 4 of the PALB2 gene, results from an A to T substitution at nucleotide position 322. The asparagine at codon 108 is replaced by tyrosine, an amino acid with dissimilar properties. This amino acid position is conserved. In addition, this alteration is predicted to be tolerated by in silico analysis. Since supporting evidence is limited at this time, the clinical significance of this alteration remains unclear.

Color Diagnostics, LLC DBA Color Health
Classification: Uncertain significance for Hereditary cancer-predisposing syndrome. Last evaluated: 2023-06-20. Review status: criteria provided, single submitter. Criteria: ACMG Guidelines, 2015. Collection method: clinical testing. Allele origin: germline.
Comment: This missense variant replaces asparagine with tyrosine at codon 108 of the PALB2 protein. Computational prediction suggests that this variant may not impact protein structure and function (internally defined REVEL score threshold <= 0.5, PMID: 27666373). To our knowledge, functional studies have not been reported for this variant. This variant has not been reported in individuals affected with PALB2-related disorders in the literature. This variant has not been identified in the general population by the Genome Aggregation Database (gnomAD). The available evidence is insufficient to determine the role of this variant in disease conclusively. Therefore, this variant is classified as a Variant of Uncertain Significance.

Labcorp Genetics (formerly Invitae), Labcorp
Classification: Uncertain significance for Familial cancer of breast. Last evaluated: 2019-05-21. Review status: criteria provided, single submitter. Criteria: Invitae Variant Classification Sherloc (09022015). Collection method: clinical testing. Allele origin: germline.
Comment: Algorithms developed to predict the effect of missense changes on protein structure and function are either unavailable or do not agree on the potential impact of this missense change (SIFT: "Tolerated"; PolyPhen-2: "Possibly Damaging"; Align-GVGD: "Class C0"). This variant has not been reported in the literature in individuals with PALB2-related conditions. This variant is not present in population databases (ExAC no frequency). This sequence change replaces asparagine with tyrosine at codon 108 of the PALB2 protein (p.Asn108Tyr). The asparagine residue is moderately conserved and there is a large physicochemical difference between asparagine and tyrosine. In summary, the available evidence is currently insufficient to determine the role of this variant in disease. Therefore, it has been classified as a Variant of Uncertain Significance.